The following is an entry in ClinVar:

NM_006015.6(ARID1A):c.166C>T (p.Gln56Ter)

Gene: ARID1A (AT-rich interaction domain 1A; plus strand). Cytogenetic location: 1p36.11.
Variant type: single nucleotide variant.
Coding change: c.166C>T on transcript NM_006015.6 (MANE Select); coding-DNA position 166, C replaced by T.
Protein change: p.Gln56Ter; replaces glutamine 56 with a stop codon.
Molecular consequence: nonsense.
Genome position (GRCh38, 1-based): chr1:26,696,569, C>T. VCF-style: chr1-26696569-C-T. GRCh37 (hg19) VCF-style: chr1-27023060-C-T.
Other names: c.166C>T, p.Gln56Ter (NM_139135.4); short protein forms Q56*.
Identifiers: ClinVar variation 1177329 (VCV001177329.2), dbSNP rs2124740536, ClinGen allele CA339264538.
Genomic context (GRCh38, chr1:26,696,569, plus strand): 5'-GGGGGCGAGGCGGCGGCGGCGGCAGCGGCCGAGCGCGGGGAAATGAAGGCAGCCGCCGGG[C>T]AGGAAAGCGAGGGCCCCGCCGTGGGGCCGCCGCAGCCGCTGGGAAAGGAGCTGCAGGACG-3'

ClinVar aggregate classification (germline): Pathogenic. Review status: criteria provided, multiple submitters, no conflicts (2 of 4 stars). 2 submissions from 2 submitters: Pathogenic (2). Last evaluated 2024-01-01.

Conditions:
ARID1A-related BAFopathy.
Intellectual disability, autosomal dominant 14 (CSS2). Also called: COFFIN-SIRIS SYNDROME 2. Identifiers: Orphanet 1465, MedGen C3553247, MONDO:0013819, OMIM 614607.

Submissions (2):

Daryl Scott Lab, Baylor College of Medicine
Classification: Pathogenic for Intellectual disability, autosomal dominant 14. Last evaluated: 2024-01-01. Review status: criteria provided, single submitter. Criteria: ACMG Guidelines, 2015. Collection method: clinical testing. Allele origin: de novo. Affected: yes. Observed: 1 heterozygote.
Comment: PVS1, PS2, PM2

Baylor Genetics
Classification: Pathogenic for ARID1A-related BAFopathy. Last evaluated: 2021-06-10. Review status: criteria provided, single submitter. Criteria: ACMG Guidelines, 2015. Collection method: clinical testing. Allele origin: de novo. Affected: yes.